The following is an entry in ClinVar:

ClinVar aggregate classification (germline): Uncertain significance. Review status: criteria provided, single submitter (1 of 4 stars). 2 submissions from 2 submitters: Uncertain significance (1). 1 of the submissions does not count toward it. Last evaluated 2021-08-31.

Conditions:
Primary ciliary dyskinesia. Also called: Ciliary dyskinesia. Identifiers: Orphanet 244, MedGen C0008780, MONDO:0016575, HP:0012265.

Allele frequency attached by ClinVar (database versions not stated): gnomAD 0.00001; TOPMed 0.00008; 1000 Genomes Project 30x 0.00016; 1000 Genomes Project 0.00020.
gnomAD v4.1: 36 of 1,614,190 alleles (0.0022%); highest among the groups gnomAD compares: Admixed American, 0.01%; no homozygotes.

Submissions (2):

Labcorp Genetics (formerly Invitae), Labcorp
Classification: Uncertain significance for Primary ciliary dyskinesia. Last evaluated: 2021-08-31. Review status: criteria provided, single submitter. Criteria: Invitae Variant Classification Sherloc (09022015). Collection method: clinical testing. Allele origin: germline.
Comment: This sequence change replaces arginine with glutamine at codon 72 of the DNAI2 protein (p.Arg72Gln). The arginine residue is moderately conserved and there is a small physicochemical difference between arginine and glutamine. This variant is present in population databases (rs200668134, ExAC 0.02%). This variant has not been reported in the literature in individuals affected with DNAI2-related conditions. Algorithms developed to predict the effect of missense changes on protein structure and function (SIFT, PolyPhen-2, Align-GVGD) all suggest that this variant is likely to be tolerated. In summary, the available evidence is currently insufficient to determine the role of this variant in disease. Therefore, it has been classified as a Variant of Uncertain Significance.

Natera, Inc.
Classification: Uncertain significance for Primary ciliary dyskinesia. Last evaluated: 2021-03-31. Review status: no assertion criteria provided. Collection method: clinical testing. Allele origin: germline. Not counted in ClinVar's aggregate classification.

NM_023036.6(DNAI2):c.215G>A (p.Arg72Gln)

Gene: DNAI2 (dynein axonemal intermediate chain 2; plus strand). Cytogenetic location: 17q25.1.
Variant type: single nucleotide variant.
Coding change: c.215G>A on transcript NM_023036.6 (MANE Select); coding-DNA position 215, G replaced by A.
Protein change: p.Arg72Gln; replaces arginine 72 with glutamine.
Molecular consequence: missense variant. On other transcripts: non-coding transcript variant (1).
Genome position (GRCh38, 1-based): chr17:74,285,071, G>A. VCF-style: chr17-74285071-G-A. GRCh37 (hg19) VCF-style: chr17-72281210-G-A.
Other names: c.215G>A, p.Arg72Gln (NM_001172810.3, NM_001353167.2); short protein forms R72Q.
Identifiers: ClinVar variation 968168 (VCV000968168.10), dbSNP rs200668134, ClinGen allele CA8745295.